The following is an entry in ClinVar:

NM_001735.3(C5):c.929T>G (p.Leu310Arg)

Gene: C5 (complement C5; minus strand). Cytogenetic location: 9q33.2.
Variant type: single nucleotide variant.
Coding change: c.929T>G on transcript NM_001735.3 (MANE Select); coding-DNA position 929, T replaced by G.
Protein change: p.Leu310Arg; replaces leucine 310 with arginine.
Molecular consequence: missense variant.
Genome position (GRCh38, 1-based): chr9:121,025,525, A>C on the plus strand (T>G on the coding strand, the complement: C5 is on the minus strand). VCF-style: chr9-121025525-A-C. GRCh37 (hg19) VCF-style: chr9-123787803-A-C.
Other names: c.947T>G, p.Leu316Arg (NM_001317163.2); c.929T>G, p.Leu310Arg (NM_001317164.2); short protein forms L316R, L310R.
Identifiers: ClinVar variation 4743864 (VCV004743864.1).

ClinVar aggregate classification (germline): Uncertain significance (1 of 4 stars; one submission).

gnomAD v4.1: 1 of 1,613,154 alleles (0.000062%); highest among the groups gnomAD compares: African/African-American, 0.0013%; no homozygotes.

Submission:

Labcorp Genetics (formerly Invitae), Labcorp
Classification: Uncertain significance. Last evaluated: 2025-02-03. Review status: criteria provided, single submitter. Criteria: Invitae Variant Classification Sherloc (09022015). Collection method: clinical testing. Allele origin: germline.
Comment: This sequence change replaces leucine, which is neutral and non-polar, with arginine, which is basic and polar, at codon 310 of the C5 protein (p.Leu310Arg). This variant is present in population databases (rs766463566, gnomAD 0.007%). This variant has not been reported in the literature in individuals affected with C5-related conditions. Invitae Evidence Modeling of protein sequence and biophysical properties (such as structural, functional, and spatial information, amino acid conservation, physicochemical variation, residue mobility, and thermodynamic stability) has been performed for this missense variant. However, the output from this modeling did not meet the statistical confidence thresholds required to predict the impact of this variant on C5 protein function. In summary, the available evidence is currently insufficient to determine the role of this variant in disease. Therefore, it has been classified as a Variant of Uncertain Significance.